The following is an entry in ClinVar:

NM_000090.4(COL3A1):c.1258G>A (p.Gly420Ser)

Gene: COL3A1 (collagen type III alpha 1 chain; plus strand). Cytogenetic location: 2q32.2.
Variant type: single nucleotide variant.
Coding change: c.1258G>A on transcript NM_000090.4 (MANE Select); coding-DNA position 1258, G replaced by A.
Protein change: p.Gly420Ser; replaces glycine 420 with serine.
Molecular consequence: missense variant.
Genome position (GRCh38, 1-based): chr2:188,994,297, G>A. VCF-style: chr2-188994297-G-A. GRCh37 (hg19) VCF-style: chr2-189859023-G-A.
Identifiers: ClinVar variation 101452 (VCV000101452.24), dbSNP rs587779692, ClinGen allele CA004179.

ClinVar aggregate classification (germline): Pathogenic/Likely pathogenic. Review status: criteria provided, multiple submitters, no conflicts (2 of 4 stars). 10 submissions from 10 submitters: Pathogenic (4); Likely pathogenic (5). 1 of the submissions does not count toward it. Last evaluated 2026-01-25.

Conditions:
Connective and Soft Tissue Disorder. Identifiers: MedGen C1333150.
COL3A1-related disorder. Also called: COL3A1-related condition.
Familial thoracic aortic aneurysm and aortic dissection (TAAD). Also called: Thoracic aortic aneurysms and dissections. Identifiers: Orphanet 91387, MedGen C4707243, MONDO:0019625.
Ehlers-Danlos syndrome, type 4 (EDSVASC). Also called: Ehlers-Danlos syndrome vascular type; Ehlers Danlos syndrome, ecchymotic type; Ehlers Danlos syndrome, arterial type; Ehlers Danlos syndrome, Sack-Barabas type; Ehlers-Danlos Syndrome Type IV. Identifiers: Orphanet 286, MedGen C0268338, MONDO:0017314, OMIM 130050.

Allele frequency attached by ClinVar (database versions not stated): gnomAD exomes below 0.00001.

Submissions (10):

Labcorp Genetics (formerly Invitae), Labcorp
Classification: Pathogenic for Ehlers-Danlos syndrome, type 4. Last evaluated: 2026-01-25. Review status: criteria provided, single submitter. Criteria: Invitae Variant Classification Sherloc (09022015). Collection method: clinical testing. Allele origin: germline.
Comment: This sequence change replaces glycine, which is neutral and non-polar, with serine, which is neutral and polar, at codon 420 of the COL3A1 protein (p.Gly420Ser). This variant is not present in population databases (gnomAD no frequency). This missense change has been observed in individuals with COL3A1-related disease (PMID: 21086191, 21520333, 24922459, 30115950). ClinVar contains an entry for this variant (Variation ID: 101452). Invitae Evidence Modeling of protein sequence and biophysical properties (such as structural, functional, and spatial information, amino acid conservation, physicochemical variation, residue mobility, and thermodynamic stability) indicates that this missense variant is expected to disrupt COL3A1 protein function with a positive predictive value of 95%. This variant disrupts the triple helix domain of COL3A1. Glycine residues within the Gly-Xaa-Yaa repeats of the triple helix domain are required for the structure and stability of fibrillar collagens (PMID: 7695699, 8218237, 19344236). In COL3A1, variants that affect these glycine residues are significantly enriched in individuals with disease (PMID: 24922459, 25758994) compared to the general population (ExAC). For these reasons, this variant has been classified as Pathogenic.

Dasa
Classification: Likely pathogenic for Ehlers-Danlos syndrome, vascular type. Last evaluated: 2025-07-01. Review status: criteria provided, single submitter. Criteria: DASA Assertion Criteria. Collection method: clinical testing. Allele origin: germline.
Comment: NM_000090.4(COL3A1):c.1258G>A (p.Gly420Ser) is a missense variant that results in the substitution of glycine with serine. The affected residue or protein region has prior evidence supporting clinical relevance. This variant has been recurrently observed in individuals with COL3A1-related disorders (PMID: 38102934; PMID: 30115950; PMID: 21086191; PMID: 25758994; PMID: 24922459). Also, this variant is rare in population databases. Computational evidence supports a deleterious effect. Based on the currently available evidence, this variant is classified as likely pathogenic.

GeneDx
Classification: Pathogenic. Last evaluated: 2024-12-10. Review status: criteria provided, single submitter. Criteria: GeneDx Variant Classification Process June 2021. Collection method: clinical testing. Allele origin: germline. Affected: yes.
Comment: Not observed at significant frequency in large population cohorts (gnomAD); In silico analysis supports that this missense variant has a deleterious effect on protein structure/function; Occurs in the triple helical domain and replaces the glycine in the canonical Gly-X-Y repeat; missense substitution of a canonical glycine residue is expected to disrupt normal protein folding and function, and this is an established mechanism of disease (HGMD); This variant is associated with the following publications: (PMID: 21086191, 24922459, 8218237, 33726816, 31447099, 38102934, 30115950, 36977837, 35943490)

Blueprint Genetics
Classification: Pathogenic for COL3A1-related disorders. Last evaluated: 2024-11-13. Review status: criteria provided, single submitter. Criteria: ACMG Guidelines, 2015. Collection method: clinical testing. Allele origin: germline. Affected: yes. Observed: 5 variant alleles.

Clinical Genetics Laboratory, Skane University Hospital Lund
Classification: Likely pathogenic for Connective and Soft Tissue Disorder. Last evaluated: 2024-11-11. Review status: criteria provided, single submitter. Criteria: ACMG Guidelines, 2015. Collection method: clinical testing. Allele origin: germline. Affected: yes.
Comment: ACMG criteria used: PS4, PM1, PP3

Ambry Genetics
Classification: Pathogenic for Familial thoracic aortic aneurysm and aortic dissection. Last evaluated: 2024-06-06. Review status: criteria provided, single submitter. Criteria: Ambry Variant Classification Scheme 2023. Collection method: clinical testing. Allele origin: germline.
Comment: The p.G420S pathogenic mutation (also known as c.1258G>A), located in coding exon 18 of the COL3A1 gene, results from a G to A substitution at nucleotide position 1258. The glycine at codon 420 is replaced by serine, an amino acid with similar properties. The majority (approximately two-thirds) of COL3A1 mutations identified to date have involved the substitution of another amino acid for glycine within the triple-helical domain (Pepin MG et al. Genet Med. 2014;16(12):881-8; Frank M et al. Eur J Hum Genet. 2015;23(12):1657-64). This particular glycine substitution has been detected in multiple individuals with features consistent with COL3A1-related Ehlers-Danlos syndrome (vascular EDS) (Pickup MJ et al. Forensic Sci Med Pathol, 2011 Jun;7:192-7; Wang K et al. J Hum Genet, 2018 Nov;63:1119-1128; Bowen JM et al. Eur J Hum Genet, 2023 Jul;31:749-760; Buso G et al. Vasc Med, 2023 Dec; 1358863X231215330; external communication; Ambry internal data). Internal structural analysis has demonstrated that this alteration disrupts the characteristic G-X-Y motif in the COL3A1 protein and inserts a bulky side chain into a sterically-constrained region (Bella J et al. Science. 1994;266:75-81; Hohenester E et al. Proc. Natl. Acad. Sci. U.S.A. 2008;105:18273-7; Ambry internal data). This amino acid position is highly conserved in available vertebrate species. In addition, this alteration is predicted to be deleterious by in silico analysis. This variant is considered to be rare based on population cohorts in the Genome Aggregation Database (gnomAD). Based on the supporting evidence, this variant is interpreted as a disease-causing mutation.

Institute of Human Genetics, University of Leipzig Medical Center
Classification: Likely pathogenic for Ehlers-Danlos syndrome, type 4. Last evaluated: 2021-02-04. Review status: criteria provided, single submitter. Criteria: ACMG Guidelines, 2015. Collection method: clinical testing. Allele origin: unknown. Affected: yes.

Laboratory for Molecular Medicine, Mass General Brigham Personalized Medicine
Classification: Likely pathogenic for Ehlers-Danlos syndrome, type 4. Last evaluated: 2019-08-07. Review status: criteria provided, single submitter. Criteria: ACMG Guidelines, 2015. Collection method: clinical testing. Allele origin: germline.
Comment: The p.Gly420Ser variant in COL3A1 has been reported in at least 4 individuals with clinical features of Ehlers-Danlos syndrome type IV (EDS IV, vascular; Pepin 2014, Pickup 2011, Wang 2018) and was absent from large population studies. This variant has also been reported in ClinVar (Variation ID 101452). Computational prediction tools and conservation analysis suggest that this variant may impact the protein, though this information is not predictive enough to determine pathogenicity. Variants in COL3A1 affecting conserved glycine (Gly) residues of the G-X-Y repeat region in the triple helical collagen domain are strongly associated with EDS IV (Pepin 2000, Pepin 2014, Frank 2015). In summary, although additional studies are required to fully establish its clinical significance, this variant meets criteria to be classified as likely pathogenic for autosomal dominant EDS IV. ACMG/AMP Criteria applied: PM1, PS4_Moderate, PM2, PP3.

CHEO Genetics Diagnostic Laboratory, Children's Hospital of Eastern Ontario
Classification: Likely pathogenic for Familial thoracic aortic aneurysm and aortic dissection. Last evaluated: 2018-06-11. Review status: criteria provided, single submitter. Criteria: ACMG Guidelines, 2015. Collection method: clinical testing. Allele origin: germline.

Collagen Diagnostic Laboratory, University of Washington
Classification: Pathogenic for Ehlers-Danlos syndrome, type 4. Review status: no assertion criteria provided. Collection method: clinical testing. Allele origin: germline. Affected: yes. Not counted in ClinVar's aggregate classification.

Literature cited by the submitters: PubMed 21086191 (cited by 4 submitters); PubMed 21520333 (cited by Labcorp Genetics (formerly Invitae), Labcorp); PubMed 24922459 (cited by 3 submitters); PubMed 30115950 (cited by 4 submitters); PubMed 7695699 (cited by Labcorp Genetics (formerly Invitae), Labcorp); PubMed 8218237 (cited by Labcorp Genetics (formerly Invitae), Labcorp); PubMed 19344236 (cited by Labcorp Genetics (formerly Invitae), Labcorp); PubMed 25758994 (cited by Labcorp Genetics (formerly Invitae), Labcorp and Dasa); PubMed 38102934 (cited by Dasa and Ambry Genetics); PubMed 35885981 (cited by Dasa); PubMed 36977837 (cited by Ambry Genetics).